The following is an entry in ClinVar:

NM_000350.3(ABCA4):c.4715C>T (p.Thr1572Met)

Genes: ABCA4 (ATP binding cassette subfamily A member 4; minus strand), LOC126805793 (CDK7 strongly-dependent group 2 enhancer GRCh37_chr1:94486302-94487501; plus strand). Cytogenetic location: 1p22.1.
Variant type: single nucleotide variant.
Coding change: c.4715C>T on transcript NM_000350.3 (MANE Select); coding-DNA position 4715, C replaced by T.
Protein change: p.Thr1572Met; replaces threonine 1572 with methionine.
Molecular consequence: missense variant.
Genome position (GRCh38, 1-based): chr1:94,021,904, G>A on the plus strand (C>T on the coding strand, the complement: ABCA4 is on the minus strand). VCF-style: chr1-94021904-G-A. GRCh37 (hg19) VCF-style: chr1-94487460-G-A.
Other names: c.4493C>T, p.Thr1498Met (NM_001425324.1); short protein forms T1572M, T1498M.
Identifiers: ClinVar variation 497936 (VCV000497936.16), dbSNP rs185093512, ClinGen allele CA957502.

ClinVar aggregate classification (germline): Uncertain significance. Review status: criteria provided, multiple submitters, no conflicts (2 of 4 stars). 7 submissions from 7 submitters: Uncertain significance (7). Last evaluated 2026-04-20.

Conditions:
Retinal dystrophy. Also called: Inherited retinal dystrophy. Identifiers: Orphanet 71862, MedGen C0854723, MeSH D058499, MONDO:0019118, HP:0000556.
Retinitis pigmentosa 19 (RP19). Also called: ABCA4-Related Retinitis Pigmentosa. Identifiers: Orphanet 791, MedGen C1866422, MONDO:0011137, OMIM 601718.
Age related macular degeneration 2. Also called: MACULOPATHY, AGE-RELATED; MACULAR DEGENERATION, SENILE; MACULOPATHY, AGE-RELATED, 2. Identifiers: MedGen C3495438, MONDO:0007932, OMIM 153800.
Severe early-childhood-onset retinal dystrophy (STGD1). Also called: Stargardt macular dystrophy; Juvenile onset macular degeneration; Stargardt disease 1; STGD; MACULAR DYSTROPHY WITH FLECKS, TYPE 1. Identifiers: Orphanet 364055, Orphanet 827, MedGen C1855465, MeSH D000080362, MONDO:0009549, OMIM 248200.
Cone-rod dystrophy 3 (CORD3). Identifiers: Orphanet 1872, MedGen C1858806, MONDO:0011395, OMIM 604116.

Allele frequency attached by ClinVar (database versions not stated): 1000 Genomes Project 30x 0.00141; ExAC 0.00012; gnomAD 0.00006 and 0.00009; TOPMed 0.00008; 1000 Genomes Project 0.00080.
gnomAD v4.1: 124 of 1,614,130 alleles (0.0077%); highest among the groups gnomAD compares: East Asian, 0.21%; 1 homozygote.

Submissions (7):

GeneDx
Classification: Uncertain significance. Last evaluated: 2026-04-20. Review status: criteria provided, single submitter. Criteria: GeneDx Variant Classification Process June 2021. Collection method: clinical testing. Allele origin: germline.
Comment: In silico analysis suggests that this missense variant does not alter protein structure/function; This variant is associated with the following publications: (PMID: 12592048, 11857735, 23953153, 29305715, 23982839, 38219857, 38870140)

Blueprint Genetics
Classification: Uncertain significance. Last evaluated: 2024-06-18. Review status: criteria provided, single submitter. Criteria: ACMG Guidelines, 2015. Collection method: clinical testing. Allele origin: germline.

3billion
Classification: Uncertain significance for Retinitis pigmentosa 19. Last evaluated: 2024-01-04. Review status: criteria provided, single submitter. Criteria: ACMG Guidelines, 2015. Collection method: clinical testing. Allele origin: germline. Affected: yes.
Comment: The variant is observed at an extremely low frequency in the gnomAD v2.1.1 dataset (total allele frequency: 0.014%). Predicted Consequence/Location: Missense variant In silico tool predictions suggest damaging effect of the variant on gene or gene product [REVEL: 0.60 (>=0.6, sensitivity 0.68 and specificity 0.92); 3Cnet: 0.94 (>=0.6, sensitivity 0.72 and precision 0.9)]. Same nucleotide change resulting in same amino acid change has been previously reported to be associated with ABCA4 related disorder (PMID: 11857735). However, the evidence of pathogenicity is insufficient at this time. Therefore, this variant is classified as VUS according to the recommendation of ACMG/AMP guideline.

Dept Of Ophthalmology, Nagoya University
Classification: Uncertain significance for Retinal dystrophy. Last evaluated: 2023-10-01. Review status: criteria provided, single submitter. Criteria: Submitter's publication. Collection method: research. Allele origin: germline. Affected: yes.

Labcorp Genetics (formerly Invitae), Labcorp
Classification: Uncertain significance. Last evaluated: 2022-10-24. Review status: criteria provided, single submitter. Criteria: Invitae Variant Classification Sherloc (09022015). Collection method: clinical testing. Allele origin: germline.
Comment: This sequence change replaces threonine, which is neutral and polar, with methionine, which is neutral and non-polar, at codon 1572 of the ABCA4 protein (p.Thr1572Met). This variant is present in population databases (rs185093512, gnomAD 0.1%). This variant has not been reported in the literature in individuals affected with ABCA4-related conditions. ClinVar contains an entry for this variant (Variation ID: 497936). Advanced modeling of protein sequence and biophysical properties (such as structural, functional, and spatial information, amino acid conservation, physicochemical variation, residue mobility, and thermodynamic stability) has been performed at Invitae for this missense variant, however the output from this modeling did not meet the statistical confidence thresholds required to predict the impact of this variant on ABCA4 protein function. In summary, the available evidence is currently insufficient to determine the role of this variant in disease. Therefore, it has been classified as a Variant of Uncertain Significance.

Fulgent Genetics
Classification: Uncertain significance for Age related macular degeneration 2; Severe early-childhood-onset retinal dystrophy; Retinitis pigmentosa 19; Cone-rod dystrophy 3. Last evaluated: 2021-07-23. Review status: criteria provided, single submitter. Criteria: ACMG Guidelines, 2015. Collection method: clinical testing. Allele origin: unknown.

Eurofins Ntd Llc (ga)
Classification: Uncertain significance. Last evaluated: 2016-11-16. Review status: criteria provided, single submitter. Criteria: EGL Classification Definitions 2015. Collection method: clinical testing. Allele origin: germline. Observed: 1 variant allele, 1 heterozygote.

Literature cited by the submitters: PubMed 11857735 (cited by 3billion).